The following is an entry in ClinVar:

NM_005006.7(NDUFS1):c.2019+18A>T

Gene: NDUFS1 (NADH:ubiquinone oxidoreductase core subunit S1; minus strand). Cytogenetic location: 2q33.3.
Variant type: single nucleotide variant.
Coding change: c.2019+18A>T on transcript NM_005006.7 (MANE Select); 18 bases into the intron after coding-DNA position 2019, A replaced by T.
Molecular consequence: intron variant.
Genome position (GRCh38, 1-based): chr2:206,126,692, T>A on the plus strand (A>T on the coding strand, the complement: NDUFS1 is on the minus strand). VCF-style: chr2-206126692-T-A. GRCh37 (hg19) VCF-style: chr2-206991416-T-A.
Other names: c.1686+18A>T (NM_001199982.2); c.1848+18A>T (NM_001199983.2); c.1911+18A>T (NM_001199981.2); c.2061+18A>T (NM_001199984.2).
Identifiers: ClinVar variation 138481 (VCV000138481.18), dbSNP rs55793630, ClinGen allele CA292491.

ClinVar aggregate classification (germline): Benign/Likely benign. Review status: criteria provided, multiple submitters, no conflicts (2 of 4 stars). 5 submissions from 5 submitters: Benign (4); Likely benign (1). Last evaluated 2026-01-26.

Conditions:
Mitochondrial complex I deficiency, nuclear type 5. Also called: Mitochondrial complex 1 deficiency, nuclear type 5. Identifiers: MedGen C4748754, MONDO:0032610, OMIM 618226.

Allele frequency attached by ClinVar (database versions not stated): 1000 Genomes Project 0.00280; gnomAD 0.00539 and 0.00556; ExAC 0.00540; gnomAD exomes 0.00571 and 0.00782; TOPMed 0.00585; ESP Exome Variant Server 0.00738.
gnomAD v4.1: 12,271 of 1,614,108 alleles (0.76%); highest among the groups gnomAD compares: Middle Eastern, 1.5%; 72 homozygotes.

Submissions (5):

Labcorp Genetics (formerly Invitae), Labcorp
Classification: Benign. Last evaluated: 2026-01-26. Review status: criteria provided, single submitter. Criteria: Invitae Variant Classification Sherloc (09022015). Collection method: clinical testing. Allele origin: germline.

Blueprint Genetics
Classification: Likely benign. Last evaluated: 2024-11-26. Review status: criteria provided, single submitter. Criteria: ACMG Guidelines, 2015. Collection method: clinical testing. Allele origin: germline.

ARUP Laboratories, Molecular Genetics and Genomics, ARUP Laboratories
Classification: Benign for Mitochondrial complex I deficiency, nuclear type 5. Last evaluated: 2021-02-05. Review status: criteria provided, single submitter. Criteria: ARUP Molecular Germline Variant Investigation Process 2021. Collection method: clinical testing. Allele origin: germline.

GeneDx
Classification: Benign. Last evaluated: 2014-03-14. Review status: criteria provided, single submitter. Criteria: GeneDx Variant Classification (06012015). Collection method: clinical testing. Allele origin: germline. Affected: yes.
Comment: This variant is considered likely benign or benign based on one or more of the following criteria: it is a conservative change, it occurs at a poorly conserved position in the protein, it is predicted to be benign by multiple in silico algorithms, and/or has population frequency not consistent with disease.

Breakthrough Genomics
Classification: Benign. Review status: criteria provided, single submitter. Criteria: ACMG Guidelines, 2015. Collection method: not provided. Allele origin: germline. Inheritance: Autosomal recessive inheritance. Affected: yes.